The following is an entry in ClinVar:

ClinVar aggregate classification (germline): Uncertain significance (1 of 4 stars; one submission).

Allele frequency attached by ClinVar (database versions not stated): ExAC 0.00001; gnomAD exomes 0.00001 and 0.00002; gnomAD 0.00002.
gnomAD v4.1: 7 of 1,610,318 alleles (0.00043%); highest among the groups gnomAD compares: Admixed American, 0.01%; no homozygotes.

Submission:

Labcorp Genetics (formerly Invitae), Labcorp
Classification: Uncertain significance. Last evaluated: 2022-05-07. Review status: criteria provided, single submitter. Criteria: Invitae Variant Classification Sherloc (09022015). Collection method: clinical testing. Allele origin: germline.
Comment: In summary, the available evidence is currently insufficient to determine the role of this variant in disease. Therefore, it has been classified as a Variant of Uncertain Significance. Algorithms developed to predict the effect of missense changes on protein structure and function are either unavailable or do not agree on the potential impact of this missense change (SIFT: "Deleterious"; PolyPhen-2: "Possibly Damaging"; Align-GVGD: "Class C15"). ClinVar contains an entry for this variant (Variation ID: 1004642). This variant has not been reported in the literature in individuals affected with ADAM9-related conditions. This variant is present in population databases (rs773222117, gnomAD 0.01%). This sequence change replaces glutamine, which is neutral and polar, with histidine, which is basic and polar, at codon 302 of the ADAM9 protein (p.Gln302His).

NM_003816.3(ADAM9):c.906G>C (p.Gln302His)

Gene: ADAM9 (ADAM metallopeptidase domain 9; plus strand). Cytogenetic location: 8p11.22.
Variant type: single nucleotide variant.
Coding change: c.906G>C on transcript NM_003816.3 (MANE Select); coding-DNA position 906, G replaced by C.
Protein change: p.Gln302His; replaces glutamine 302 with histidine.
Molecular consequence: missense variant. On other transcripts: non-coding transcript variant (3).
Genome position (GRCh38, 1-based): chr8:39,023,317, G>C. VCF-style: chr8-39023317-G-C. GRCh37 (hg19) VCF-style: chr8-38880836-G-C.
Other names: short protein forms Q302H.
Identifiers: ClinVar variation 1004642 (VCV001004642.5), dbSNP rs773222117, ClinGen allele CA4721469.